The following is an entry in ClinVar:

ClinVar aggregate classification (germline): Benign/Likely benign. Review status: criteria provided, multiple submitters, no conflicts (2 of 4 stars). 11 submissions from 11 submitters: Benign (5); Likely benign (5). 1 of the submissions does not count toward it. Last evaluated 2026-10-01.

Conditions:
Kabuki syndrome. Also called: NIIKAWA-KUROKI SYNDROME; Kabuki make-up syndrome. Identifiers: Orphanet 2322, MedGen C0796004, MONDO:0016512.
Kabuki syndrome 1 (KABUK1). Also called: KMT2D-Related Kabuki Syndrome. Identifiers: Orphanet 2322, MedGen CN030661, MONDO:0007843, OMIM 147920.

Allele frequency attached by ClinVar (database versions not stated): TOPMed 0.00493; 1000 Genomes Project 0.00599; ESP Exome Variant Server 0.00342; gnomAD 0.00433; 1000 Genomes Project 30x 0.00578.
gnomAD v4.1: 1,421 of 1,609,196 alleles (0.088%); highest among the groups gnomAD compares: African/African-American, 1.7%; 9 homozygotes.

Submissions (11):

CeGaT Center for Human Genetics Tuebingen
Classification: Likely benign. Last evaluated: 2026-10-01. Review status: criteria provided, single submitter. Criteria: CeGaT Center For Human Genetics Tuebingen Variant Classification Criteria Version 2. Collection method: clinical testing. Allele origin: germline. Affected: yes. Observed: 3 variant alleles.
Comment: KMT2D: BP4, BS1

Labcorp Genetics (formerly Invitae), Labcorp
Classification: Benign for Kabuki syndrome. Last evaluated: 2026-02-01. Review status: criteria provided, single submitter. Criteria: Invitae Variant Classification Sherloc (09022015). Collection method: clinical testing. Allele origin: germline.

Blueprint Genetics
Classification: Likely benign. Last evaluated: 2024-11-01. Review status: criteria provided, single submitter. Criteria: ACMG Guidelines, 2015. Collection method: clinical testing. Allele origin: germline.

Fulgent Genetics
Classification: Likely benign for Kabuki syndrome 1. Last evaluated: 2022-04-13. Review status: criteria provided, single submitter. Criteria: ACMG Guidelines, 2015. Collection method: clinical testing. Allele origin: unknown.

ARUP Laboratories, Molecular Genetics and Genomics, ARUP Laboratories
Classification: Benign for Kabuki syndrome 1. Last evaluated: 2020-08-27. Review status: criteria provided, single submitter. Criteria: ARUP Molecular Germline Variant Investigation Process. Collection method: clinical testing. Allele origin: germline.

GeneDx
Classification: Benign. Last evaluated: 2020-03-09. Review status: criteria provided, single submitter. Criteria: GeneDx Variant Classification Process June 2021. Collection method: clinical testing. Allele origin: germline. Affected: yes.
Comment: This variant is associated with the following publications: (PMID: 30459467)

Genetic Services Laboratory, University of Chicago
Classification: Benign. Last evaluated: 2018-09-26. Review status: criteria provided, single submitter. Criteria: ACMG Guidelines, 2015. Collection method: clinical testing. Allele origin: germline. Affected: no.

Center for Pediatric Genomic Medicine, Children's Mercy Hospital and Clinics
Classification: Likely benign. Last evaluated: 2017-04-27. Review status: criteria provided, single submitter. Criteria: ACMG Guidelines, 2015. Collection method: clinical testing. Allele origin: germline.

Center for Human Genetics, Inc
Classification: Likely benign for Kabuki syndrome 1. Last evaluated: 2016-11-01. Review status: criteria provided, single submitter. Criteria: ACMG Guidelines, 2015. Collection method: clinical testing. Allele origin: germline. Affected: yes.

Eurofins Ntd Llc (ga)
Classification: Benign. Last evaluated: 2012-09-19. Review status: criteria provided, single submitter. Criteria: EGL Classification Definitions 2015. Collection method: clinical testing. Allele origin: germline. Observed: 2 variant alleles, 2 heterozygotes.

ITMI
No classification provided. Condition: AllHighlyPenetrant. Last evaluated: 2013-09-19. Review status: no classification provided. Collection method: reference population. Allele origin: germline. Not counted in ClinVar's aggregate classification.
Comment: Please see associated publication for description of ethnicities

Literature cited by the submitters: PubMed 24728327 (cited by ITMI).

NM_003482.4(KMT2D):c.13045C>G (p.Pro4349Ala)

Gene: KMT2D (lysine methyltransferase 2D; minus strand). Cytogenetic location: 12q13.12.
Variant type: single nucleotide variant.
Coding change: c.13045C>G on transcript NM_003482.4 (MANE Select); coding-DNA position 13045, C replaced by G.
Protein change: p.Pro4349Ala; replaces proline 4349 with alanine.
Molecular consequence: missense variant.
Genome position (GRCh38, 1-based): chr12:49,031,660, G>C on the plus strand (C>G on the coding strand, the complement: KMT2D is on the minus strand). VCF-style: chr12-49031660-G-C. GRCh37 (hg19) VCF-style: chr12-49425443-G-C.
Other names: short protein forms P4349A.
Identifiers: ClinVar variation 94165 (VCV000094165.43), dbSNP rs181733689, ClinGen allele CA147669.
Genomic context (GRCh38, chr12:49,031,660, plus strand): 5'-AGGTATCTGCAAGCTGGGCAGCAGCAGGTGAGACCCTCCCAGGAGGCGGCTCCAAGGTTG[G>C]CCCCTGAGGTTTGGGGGTCCCTGGATGGGTGGGAGGGAGCTGGGCCTCAGTGGGAAGCTG-3'
Protein context (NP_003473.3, residues 4339-4359): THPGTPKPQG[Pro4349Ala]TLEPPPGRVS